The following is an entry in ClinVar:

NM_005901.6(SMAD2):c.1014A>T (p.Leu338Phe)

Gene: SMAD2 (SMAD family member 2; minus strand). Cytogenetic location: 18q21.1.
Variant type: single nucleotide variant.
Coding change: c.1014A>T on transcript NM_005901.6 (MANE Select); coding-DNA position 1014, A replaced by T.
Protein change: p.Leu338Phe; replaces leucine 338 with phenylalanine.
Molecular consequence: missense variant.
Genome position (GRCh38, 1-based): chr18:47,845,784, T>A on the plus strand (A>T on the coding strand, the complement: SMAD2 is on the minus strand). VCF-style: chr18-47845784-T-A. GRCh37 (hg19) VCF-style: chr18-45372155-T-A.
Other names: c.1014A>T, p.Leu338Phe (NM_001003652.4); c.924A>T, p.Leu308Phe (NM_001135937.3); c.1014A>T (NM_005901.4); short protein forms L338F, L308F.
Identifiers: ClinVar variation 2127304 (VCV002127304.5), dbSNP rs2144291010, ClinGen allele CA402504182.
Genomic context (GRCh38, chr18:47,845,784, plus strand): 5'-CTGCACAAAGATTGCACTATCACTTAGGCACTCAGCAAAAACTTCCCCACCTATGTAGTA[T>A]AAGCGCACTCCTCTTCCTGAAACAAAATACAAATGAGATTAGTTTTGTAACATTTACTAT-3'
Protein context (NP_005892.1, residues 328-348): TRRHIGRGVR[Leu338Phe]YYIGGEVFAE

ClinVar aggregate classification (germline): Uncertain significance. Review status: criteria provided, multiple submitters, no conflicts (2 of 4 stars). 2 submissions from 2 submitters: Uncertain significance (2). Last evaluated 2024-08-01.

Conditions:
Inborn genetic diseases. Identifiers: MedGen C0950123, MeSH D030342.

Submissions (2):

Ambry Genetics
Classification: Uncertain significance for Inborn genetic diseases. Last evaluated: 2024-08-01. Review status: criteria provided, single submitter. Criteria: Ambry Variant Classification Scheme 2023. Collection method: clinical testing. Allele origin: germline.

Labcorp Genetics (formerly Invitae), Labcorp
Classification: Uncertain significance. Last evaluated: 2022-04-17. Review status: criteria provided, single submitter. Criteria: Invitae Variant Classification Sherloc (09022015). Collection method: clinical testing. Allele origin: germline.
Comment: This sequence change replaces leucine, which is neutral and non-polar, with phenylalanine, which is neutral and non-polar, at codon 338 of the SMAD2 protein (p.Leu338Phe). This variant is not present in population databases (gnomAD no frequency). This variant has not been reported in the literature in individuals affected with SMAD2-related conditions. Advanced modeling of protein sequence and biophysical properties (such as structural, functional, and spatial information, amino acid conservation, physicochemical variation, residue mobility, and thermodynamic stability) performed at Invitae indicates that this missense variant is not expected to disrupt SMAD2 protein function. In summary, the available evidence is currently insufficient to determine the role of this variant in disease. Therefore, it has been classified as a Variant of Uncertain Significance.